The following is an entry in ClinVar:

NM_001384474.1(LOXHD1):c.4376-2A>G

Gene: LOXHD1 (lipoxygenase homology PLAT domains 1; minus strand). Cytogenetic location: 18q21.1.
Variant type: single nucleotide variant.
Coding change: c.4376-2A>G on transcript NM_001384474.1 (MANE Select); the canonical splice acceptor site of the intron before coding-DNA position 4376, A replaced by G.
Molecular consequence: splice acceptor variant.
Genome position (GRCh38, 1-based): chr18:46,529,333, T>C on the plus strand (A>G on the coding strand, the complement: LOXHD1 is on the minus strand). VCF-style: chr18-46529333-T-C. GRCh37 (hg19) VCF-style: chr18-44109296-T-C.
Other names: c.1043-2A>G (NM_001145472.3); c.755-2A>G (NM_001308013.2); c.4376-2A>G (NM_144612.7, NM_144612.6).
Identifiers: ClinVar variation 287284 (VCV000287284.13), dbSNP rs886043616, ClinGen allele CA10605732.

ClinVar aggregate classification (germline): Pathogenic/Likely pathogenic. Review status: criteria provided, multiple submitters, no conflicts (2 of 4 stars). 4 submissions from 4 submitters: Pathogenic (2); Likely pathogenic (1). 1 of the submissions does not count toward it. Last evaluated 2024-10-19.

Conditions:
LOXHD1-related disorder. Also called: LOXHD1-related condition.
Autosomal recessive nonsyndromic hearing loss 77. Identifiers: Orphanet 90636, MedGen C2746083, MONDO:0013119, OMIM 613079.

Allele frequency attached by ClinVar (database versions not stated): gnomAD exomes 0.00001; gnomAD 0.00005 and 0.00006; TOPMed 0.00006.
gnomAD v4.1: 13 of 1,533,676 alleles (0.00085%); highest among the groups gnomAD compares: African/African-American, 0.012%; no homozygotes.

Submissions (4):

Natera, Inc.
Classification: Likely pathogenic for Autosomal recessive deafness type 77. Last evaluated: 2024-10-19. Review status: criteria provided, single submitter. Criteria: Natera Variant Classification Schema (03/2026). Collection method: clinical testing. Allele origin: germline.
Comment: The c.4376-2A>G variant in LOXHD1 is a canonical splice acceptor site variant predicted to affect pre-mRNA splicing, which may result in an abnormal transcript and altered protein product. This variant is expected to result in nonsense mediated decay, truncation, or a dysfunctional protein product. This variant is rare in the general population with a frequency below the threshold expected for the associated phenotype(s). Given the available evidence, this variant is classified as Likely Pathogenic.

Labcorp Genetics (formerly Invitae), Labcorp
Classification: Pathogenic. Last evaluated: 2024-09-29. Review status: criteria provided, single submitter. Criteria: Invitae Variant Classification Sherloc (09022015). Collection method: clinical testing. Allele origin: germline.
Comment: This sequence change affects an acceptor splice site in intron 28 of the LOXHD1 gene. It is expected to disrupt RNA splicing. Variants that disrupt the donor or acceptor splice site typically lead to a loss of protein function (PMID: 16199547), and loss-of-function variants in LOXHD1 are known to be pathogenic (PMID: 19732867, 21465660, 25792669). The frequency data for this variant in the population databases is considered unreliable, as metrics indicate poor data quality at this position in the gnomAD database. Disruption of this splice site has been observed in individuals with autosomal recessive nonsyndromic deafness (internal data). ClinVar contains an entry for this variant (Variation ID: 287284). Algorithms developed to predict the effect of sequence changes on RNA splicing suggest that this variant may disrupt the consensus splice site. For these reasons, this variant has been classified as Pathogenic.

Eurofins Ntd Llc (ga)
Classification: Pathogenic. Last evaluated: 2016-05-26. Review status: criteria provided, single submitter. Criteria: EGL Classification Definitions 2015. Collection method: clinical testing. Allele origin: germline. Observed: 1 variant allele, 1 heterozygote.

PreventionGenetics, part of Exact Sciences
Classification: Likely pathogenic for LOXHD1-related condition. Last evaluated: 2024-07-31. Review status: no assertion criteria provided. Collection method: clinical testing. Allele origin: germline. Not counted in ClinVar's aggregate classification.
Comment: The LOXHD1 c.4376-2A>G variant is predicted to disrupt the AG splice acceptor site and interfere with normal splicing. To our knowledge, this variant has not been reported in the literature. This variant is reported in 0.0043% of alleles in individuals of Latino descent in gnomAD. Variants that disrupt the consensus splice acceptor site in LOXHD1 are expected to be pathogenic. This variant is interpreted as likely pathogenic.

Literature cited by the submitters: PubMed 16199547 (cited by Labcorp Genetics (formerly Invitae), Labcorp); PubMed 19732867 (cited by Labcorp Genetics (formerly Invitae), Labcorp); PubMed 21465660 (cited by Labcorp Genetics (formerly Invitae), Labcorp); PubMed 25792669 (cited by Labcorp Genetics (formerly Invitae), Labcorp).